The following is an entry in ClinVar:

NM_001903.5(CTNNA1):c.2393_2394insT (p.Glu799fs)

Gene: CTNNA1 (catenin alpha 1; plus strand). Cytogenetic location: 5q31.2.
Variant type: Insertion.
Coding change: c.2393_2394insT on transcript NM_001903.5 (MANE Select); coding-DNA positions 2393 to 2394, T inserted.
Protein change: p.Glu799fs; shifts the reading frame from glutamic acid 799.
Molecular consequence: frameshift variant. On other transcripts: intron variant (1).
Genome position: GRCh38 VCF-style: chr5-138932672-C-CT. GRCh37 (hg19) VCF-style: chr5-138268361-C-CT.
Other names: c.2393_2394insT, p.Glu799fs (NM_001290307.3, NM_001323982.2, NM_001323983.1 and 2 more transcripts); c.2084_2085insT, p.Glu696fs (NM_001290309.3); c.2024_2025insT, p.Glu676fs (NM_001290310.3); c.1283_1284insT, p.Glu429fs (NM_001290312.1, NM_001323987.1, NM_001323988.1 and 16 more transcripts); c.2300_2301insT, p.Glu768fs (NM_001323986.2); c.944_945insT, p.Glu316fs (NM_001324006.1, NM_001324007.1, NM_001324008.1 and 2 more transcripts); c.1190_1191insT, p.Glu398fs (NM_001324011.1); c.1040_1041insT, p.Glu348fs (NM_001324012.1, NM_001324013.1); and 1 more; short protein forms E429fs, E696fs, E768fs, E316fs, E799fs, E348fs, E676fs, E398fs.
Identifiers: ClinVar variation 644349 (VCV000644349.6), dbSNP rs1580930647, ClinGen allele CA915942578.
Genomic context (GRCh38, chr5:138,932,672, plus strand): 5'-CCTACCTGCAACGCATCGCCCTCTACTGCCACCAGCTGAACATCTGCAGCAAGGTCAAGG[C>CT]CGAGGTGCAGAATCTCGGCGGGGAGCTTGTTGTCTCTGGGGTAAGCATTAGCTGAACAAA-3'

ClinVar aggregate classification (germline): Uncertain significance (1 of 4 stars; one submission).

Submission:

Labcorp Genetics (formerly Invitae), Labcorp
Classification: Uncertain significance. Last evaluated: 2021-12-09. Review status: criteria provided, single submitter. Criteria: Invitae Variant Classification Sherloc (09022015). Collection method: clinical testing. Allele origin: germline.
Comment: In summary, the available evidence is currently insufficient to determine the role of this variant in disease. Therefore, it has been classified as a Variant of Uncertain Significance. Experimental studies and prediction algorithms are not available or were not evaluated, and the functional significance of this variant is currently unknown. ClinVar contains an entry for this variant (Variation ID: 644349). This premature translational stop signal has been observed in individual(s) with breast cancer (PMID: 32051609). This variant is not present in population databases (gnomAD no frequency). This sequence change creates a premature translational stop signal (p.Glu799Argfs*79) in the CTNNA1 gene. While this is not anticipated to result in nonsense mediated decay, it is expected to disrupt the last 108 amino acid(s) of the CTNNA1 protein.

Literature cited by the submitters: PubMed 32051609.